The following is an entry in ClinVar:

NM_001376.5(DYNC1H1):c.8856G>A (p.Trp2952Ter)

Gene: DYNC1H1 (dynein cytoplasmic 1 heavy chain 1; plus strand). Cytogenetic location: 14q32.31.
Variant type: single nucleotide variant.
Coding change: c.8856G>A on transcript NM_001376.5 (MANE Select); coding-DNA position 8856, G replaced by A.
Protein change: p.Trp2952Ter; replaces tryptophan 2952 with a stop codon.
Molecular consequence: nonsense.
Genome position (GRCh38, 1-based): chr14:102,027,258, G>A. VCF-style: chr14-102027258-G-A. GRCh37 (hg19) VCF-style: chr14-102493595-G-A.
Other names: short protein forms W2952*.
Identifiers: ClinVar variation 2011082 (VCV002011082.5), dbSNP rs2503803535, ClinGen allele CA391010081.

ClinVar aggregate classification (germline): Uncertain significance. Review status: criteria provided, multiple submitters, no conflicts (2 of 4 stars). 2 submissions from 2 submitters: Uncertain significance (2). Last evaluated 2024-04-03.

Conditions:
Charcot-Marie-Tooth disease axonal type 2O. Also called: Charcot-Marie-Tooth Neuropathy Type 2O; Charcot-Marie-Tooth disease, axonal, type 20; CHARCOT-MARIE-TOOTH NEUROPATHY, AXONAL, TYPE 2O; CHARCOT-MARIE-TOOTH DISEASE, AXONAL, AUTOSOMAL DOMINANT, TYPE 2O. Identifiers: Orphanet 284232, MedGen C3280220, MONDO:0013644, OMIM 614228.

Submissions (2):

GeneDx
Classification: Uncertain significance. Last evaluated: 2024-04-03. Review status: criteria provided, single submitter. Criteria: GeneDx Variant Classification Process June 2021. Collection method: clinical testing. Allele origin: germline. Affected: yes.
Comment: Not observed at significant frequency in large population cohorts (gnomAD); Has not been previously published as pathogenic or benign to our knowledge; Nonsense variant predicted to result in protein truncation or nonsense mediated decay in a gene for which loss-of-function is not a known mechanism of disease

Labcorp Genetics (formerly Invitae), Labcorp
Classification: Uncertain significance for Charcot-Marie-Tooth disease axonal type 2O. Last evaluated: 2022-06-26. Review status: criteria provided, single submitter. Criteria: Invitae Variant Classification Sherloc (09022015). Collection method: clinical testing. Allele origin: germline.
Comment: This variant is not present in population databases (gnomAD no frequency). This variant has not been reported in the literature in individuals affected with DYNC1H1-related conditions. In summary, the available evidence is currently insufficient to determine the role of this variant in disease. Therefore, it has been classified as a Variant of Uncertain Significance. This sequence change creates a premature translational stop signal (p.Trp2952*) in the DYNC1H1 gene. It is expected to result in an absent or disrupted protein product. However, the current clinical and genetic evidence is not sufficient to establish whether loss-of-function variants in DYNC1H1 cause disease.